The following is an entry in ClinVar:

ClinVar aggregate classification (germline): Uncertain significance. Review status: criteria provided, multiple submitters, no conflicts (2 of 4 stars). 2 submissions from 2 submitters: Uncertain significance (2). Last evaluated 2025-05-07.

Conditions:
Inborn genetic diseases. Identifiers: MedGen C0950123, MeSH D030342.

Allele frequency attached by ClinVar (database versions not stated): gnomAD exomes below 0.00001 and 0.00001; ExAC 0.00001; gnomAD 0.00002 and 0.00003; TOPMed 0.00002.
gnomAD v4.1: 5 of 1,612,320 alleles (0.00031%); highest among the groups gnomAD compares: African/African-American, 0.0053%; no homozygotes.

Submissions (2):

Ambry Genetics
Classification: Uncertain significance for Inborn genetic diseases. Last evaluated: 2025-05-07. Review status: criteria provided, single submitter. Criteria: Ambry Variant Classification Scheme 2023. Collection method: clinical testing. Allele origin: germline.

Labcorp Genetics (formerly Invitae), Labcorp
Classification: Uncertain significance. Last evaluated: 2024-06-26. Review status: criteria provided, single submitter. Criteria: Invitae Variant Classification Sherloc (09022015). Collection method: clinical testing. Allele origin: germline.
Comment: This sequence change replaces methionine, which is neutral and non-polar, with isoleucine, which is neutral and non-polar, at codon 398 of the NEDD4L protein (p.Met398Ile). This variant is present in population databases (rs780996467, gnomAD 0.01%). This variant has not been reported in the literature in individuals affected with NEDD4L-related conditions. ClinVar contains an entry for this variant (Variation ID: 960451). Advanced modeling of protein sequence and biophysical properties (such as structural, functional, and spatial information, amino acid conservation, physicochemical variation, residue mobility, and thermodynamic stability) performed at Invitae indicates that this missense variant is not expected to disrupt NEDD4L protein function with a negative predictive value of 80%. In summary, the available evidence is currently insufficient to determine the role of this variant in disease. Therefore, it has been classified as a Variant of Uncertain Significance.

NM_001144967.3(NEDD4L):c.1254G>A (p.Met418Ile)

Gene: NEDD4L (NEDD4 like E3 ubiquitin protein ligase; plus strand). Cytogenetic location: 18q21.31.
Variant type: single nucleotide variant.
Coding change: c.1254G>A on transcript NM_001144967.3 (MANE Select); coding-DNA position 1254, G replaced by A.
Protein change: p.Met418Ile; replaces methionine 418 with isoleucine.
Molecular consequence: missense variant. On other transcripts: intron variant (1).
Genome position (GRCh38, 1-based): chr18:58,341,166, G>A. VCF-style: chr18-58341166-G-A. GRCh37 (hg19) VCF-style: chr18-56008398-G-A.
Other names: c.891G>A, p.Met297Ile (NM_001144964.1, NM_001144965.2, NM_001144966.3); c.1230G>A, p.Met410Ile (NM_001144968.2); c.1170G>A, p.Met390Ile (NM_001144969.2); c.831G>A, p.Met277Ile (NM_001144970.3, NM_001144971.2); c.1194G>A, p.Met398Ile (NM_015277.6); c.1066-512G>A (NM_001243960.2); short protein forms M390I, M277I, M297I, M398I, M410I, M418I.
Identifiers: ClinVar variation 960451 (VCV000960451.5), dbSNP rs780996467, ClinGen allele CA8975625.